The following is an entry in ClinVar:

NM_024769.5(CLMP):c.804G>A (p.Glu268=)

Gene: CLMP (CXADR like cell adhesion molecule; minus strand). Cytogenetic location: 11q24.1.
Variant type: single nucleotide variant.
Coding change: c.804G>A on transcript NM_024769.5 (MANE Select); coding-DNA position 804, G replaced by A.
Protein change: p.Glu268=; no amino-acid change (glutamic acid 268 retained).
Molecular consequence: synonymous variant.
Genome position (GRCh38, 1-based): chr11:123,074,719, C>T on the plus strand (G>A on the coding strand, the complement: CLMP is on the minus strand). VCF-style: chr11-123074719-C-T. GRCh37 (hg19) VCF-style: chr11-122945427-C-T.
Identifiers: ClinVar variation 4821627 (VCV004821627.4).

ClinVar aggregate classification (germline): Likely benign (1 of 4 stars; one submission).

gnomAD v4.1: 40 of 1,614,146 alleles (0.0025%); highest among the groups gnomAD compares: Middle Eastern, 0.016%; no homozygotes.

Submission:

CeGaT Center for Human Genetics Tuebingen
Classification: Likely benign. Last evaluated: 2026-03-01. Review status: criteria provided, single submitter. Criteria: CeGaT Center For Human Genetics Tuebingen Variant Classification Criteria Version 2. Collection method: clinical testing. Allele origin: germline. Affected: yes. Observed: 1 variant allele.
Comment: CLMP: BP4, BP7